The following is an entry in ClinVar:

NM_001430.5(EPAS1):c.908T>C (p.Val303Ala)

Gene: EPAS1 (endothelial PAS domain protein 1; plus strand). Cytogenetic location: 2p21.
Variant type: single nucleotide variant.
Coding change: c.908T>C on transcript NM_001430.5 (MANE Select); coding-DNA position 908, T replaced by C.
Protein change: p.Val303Ala; replaces valine 303 with alanine.
Molecular consequence: missense variant.
Genome position (GRCh38, 1-based): chr2:46,375,711, T>C. VCF-style: chr2-46375711-T-C. GRCh37 (hg19) VCF-style: chr2-46602850-T-C.
Other names: short protein forms V303A.
Identifiers: ClinVar variation 1765744 (VCV001765744.2), dbSNP rs2546470171, ClinGen allele CA346702641.
Genomic context (GRCh38, chr2:46,375,711, plus strand): 5'-CCCACCTCCCTAAGCTCAGCTCTGTTTCTCCTCCCCTAGTGTGCACCAAGGGTCAGGTAG[T>C]AAGTGGCCAGTACCGGATGCTCGCAAAGCATGGGGGCTACGTGTGGCTGGAGACCCAGGG-3'
Protein context (NP_001421.2, residues 293-313): HQNLCTKGQV[Val303Ala]SGQYRMLAKH

ClinVar aggregate classification (germline): Uncertain significance (1 of 4 stars; one submission).

Conditions:
Inborn genetic diseases. Identifiers: MedGen C0950123, MeSH D030342.

gnomAD v4.1: 1 of 1,614,142 alleles (0.000062%); no homozygotes.

Submission:

Ambry Genetics
Classification: Uncertain significance for Inborn genetic diseases. Last evaluated: 2021-08-11. Review status: criteria provided, single submitter. Criteria: Ambry Variant Classification Scheme 2023. Collection method: clinical testing. Allele origin: germline.
Comment: The p.V303A variant (also known as c.908T>C), located in coding exon 8 of the EPAS1 gene, results from a T to C substitution at nucleotide position 908. The valine at codon 303 is replaced by alanine, an amino acid with similar properties. This amino acid position is conserved. In addition, this alteration is predicted to be tolerated by in silico analysis. Since supporting evidence is limited at this time, the clinical significance of this alteration remains unclear.